The following is an entry in ClinVar:

NM_001365999.1(SZT2):c.608A>G (p.Gln203Arg)

Gene: SZT2 (SZT2 subunit of KICSTOR complex; plus strand). Cytogenetic location: 1p34.2.
Variant type: single nucleotide variant.
Coding change: c.608A>G on transcript NM_001365999.1 (MANE Select); coding-DNA position 608, A replaced by G.
Protein change: p.Gln203Arg; replaces glutamine 203 with arginine.
Molecular consequence: missense variant.
Genome position (GRCh38, 1-based): chr1:43,415,191, A>G. VCF-style: chr1-43415191-A-G. GRCh37 (hg19) VCF-style: chr1-43880862-A-G.
Other names: c.608A>G, p.Gln203Arg (NM_015284.4); short protein forms Q203R.
Identifiers: ClinVar variation 950434 (VCV000950434.9), dbSNP rs1651556548, ClinGen allele CA340001168.
Genomic context (GRCh38, chr1:43,415,191, plus strand): 5'-TGCAGCAGATATATGAGCAGCTCTGCCTCTTTGAGGATAAGGTGGCCACCATGCTGCAGC[A>G]GCAGTACGATCCCCAGAGCCAGGTATGTAAGAGAGAAAGTGGGCAGAGGCAACTTAGAAA-3'
Protein context (NP_001352928.1, residues 193-213): FEDKVATMLQ[Gln203Arg]QYDPQSQAED

ClinVar aggregate classification (germline): Uncertain significance (1 of 4 stars; one submission).

Submission:

Labcorp Genetics (formerly Invitae), Labcorp
Classification: Uncertain significance. Last evaluated: 2019-07-30. Review status: criteria provided, single submitter. Criteria: Invitae Variant Classification Sherloc (09022015). Collection method: clinical testing. Allele origin: germline.
Comment: Algorithms developed to predict the effect of missense changes on protein structure and function (SIFT, PolyPhen-2, Align-GVGD) all suggest that this variant is likely to be tolerated, but these predictions have not been confirmed by published functional studies and their clinical significance is uncertain. This sequence change replaces glutamine with arginine at codon 203 of the SZT2 protein (p.Gln203Arg). The glutamine residue is weakly conserved and there is a small physicochemical difference between glutamine and arginine. This variant is not present in population databases (ExAC no frequency). This variant has not been reported in the literature in individuals with SZT2-related conditions. In summary, the available evidence is currently insufficient to determine the role of this variant in disease. Therefore, it has been classified as a Variant of Uncertain Significance.